The following is an entry in ClinVar:

ClinVar aggregate classification (germline): Uncertain significance. Review status: criteria provided, multiple submitters, no conflicts (2 of 4 stars). 3 submissions from 3 submitters: Uncertain significance (3). Last evaluated 2025-04-08.

Conditions:
Familial adenomatous polyposis 1 (FAP1). Also called: POLYPOSIS, ADENOMATOUS INTESTINAL; FAMILIAL ADENOMATOUS POLYPOSIS 1, ATTENUATED. Identifiers: MedGen C2713442, MONDO:0021056, OMIM 175100. Disease mechanism: loss of function.
Hereditary cancer-predisposing syndrome. Also called: Hereditary Cancer Syndrome; Neoplastic Syndromes, Hereditary; Tumor predisposition; Hereditary neoplastic syndrome. Identifiers: Orphanet 140162, MedGen C0027672, MeSH D009386, MONDO:0015356.

Allele frequency attached by ClinVar (database versions not stated): gnomAD exomes below 0.00001.
gnomAD v4.1: 1 of 1,614,152 alleles (0.000062%); highest among the groups gnomAD compares: South Asian, 0.0011%; no homozygotes.

Submissions (3):

Labcorp Genetics (formerly Invitae), Labcorp
Classification: Uncertain significance for Familial adenomatous polyposis 1. Last evaluated: 2025-04-08. Review status: criteria provided, single submitter. Criteria: Invitae Variant Classification Sherloc (09022015). Collection method: clinical testing. Allele origin: germline.
Comment: This sequence change replaces proline, which is neutral and non-polar, with serine, which is neutral and polar, at codon 832 of the APC protein (p.Pro832Ser). This variant is not present in population databases (gnomAD no frequency). This variant has not been reported in the literature in individuals affected with APC-related conditions. ClinVar contains an entry for this variant (Variation ID: 489424). Invitae Evidence Modeling of protein sequence and biophysical properties (such as structural, functional, and spatial information, amino acid conservation, physicochemical variation, residue mobility, and thermodynamic stability) indicates that this missense variant is not expected to disrupt APC protein function with a negative predictive value of 95%. In summary, the available evidence is currently insufficient to determine the role of this variant in disease. Therefore, it has been classified as a Variant of Uncertain Significance.

Ambry Genetics
Classification: Uncertain significance for Hereditary cancer-predisposing syndrome. Last evaluated: 2023-06-13. Review status: criteria provided, single submitter. Criteria: Ambry Variant Classification Scheme 2023. Collection method: clinical testing. Allele origin: germline.
Comment: The p.P832S variant (also known as c.2494C>T), located in coding exon 15 of the APC gene, results from a C to T substitution at nucleotide position 2494. The proline at codon 832 is replaced by serine, an amino acid with similar properties. This amino acid position is highly conserved in available vertebrate species. In addition, in silico predictors for this gene do not accurately predict pathogenicity. Since supporting evidence is limited at this time, the clinical significance of this alteration remains unclear.

Color Diagnostics, LLC DBA Color Health
Classification: Uncertain significance for Hereditary cancer-predisposing syndrome. Last evaluated: 2019-02-23. Review status: criteria provided, single submitter. Criteria: ACMG Guidelines, 2015. Collection method: clinical testing. Allele origin: germline.

NM_000038.6(APC):c.2494C>T (p.Pro832Ser)

Gene: APC (APC regulator of Wnt signaling pathway; plus strand). Cytogenetic location: 5q22.2.
Variant type: single nucleotide variant.
Coding change: c.2494C>T on transcript NM_000038.6 (MANE Select); coding-DNA position 2494, C replaced by T.
Protein change: p.Pro832Ser; replaces proline 832 with serine.
Molecular consequence: missense variant.
Genome position (GRCh38, 1-based): chr5:112,838,088, C>T. VCF-style: chr5-112838088-C-T. GRCh37 (hg19) VCF-style: chr5-112173785-C-T.
Other names: c.2494C>T, p.Pro832Ser (NM_001127510.3, NM_001354895.2); c.2440C>T, p.Pro814Ser (NM_001127511.3); c.2548C>T, p.Pro850Ser (NM_001354896.2); c.2524C>T, p.Pro842Ser (NM_001354897.2); c.2419C>T, p.Pro807Ser (NM_001354898.2); c.2410C>T, p.Pro804Ser (NM_001354899.2); c.2371C>T, p.Pro791Ser (NM_001354900.2); c.2317C>T, p.Pro773Ser (NM_001354901.2); and 5 more; short protein forms P814S, P832S, P731S, P850S, P672S, P706S, P549S, P741S.
Identifiers: ClinVar variation 489424 (VCV000489424.18), dbSNP rs1554084213, ClinGen allele CA16026804.